The following is an entry in ClinVar:

ClinVar aggregate classification (germline): Likely benign (1 of 4 stars; one submission).

Allele frequency attached by ClinVar (database versions not stated): TOPMed 0.01081; gnomAD 0.01298 and 0.01373; 1000 Genomes Project 30x 0.01889; 1000 Genomes Project 0.01977.
gnomAD v4.1: 2,088 of 152,190 alleles (1.4%); highest among the groups gnomAD compares: East Asian, 4.9%; 29 homozygotes.

Submission:

GeneDx
Classification: Likely benign. Last evaluated: 2018-06-18. Review status: criteria provided, single submitter. Criteria: GeneDx Variant Classification (06012015). Collection method: clinical testing. Allele origin: germline. Affected: yes.
Comment: This variant is considered likely benign or benign based on one or more of the following criteria: it is a conservative change, it occurs at a poorly conserved position in the protein, it is predicted to be benign by multiple in silico algorithms, and/or has population frequency not consistent with disease.

NM_001256545.2(MEGF10):c.1590+262T>A

Gene: MEGF10 (multiple EGF like domains 10; plus strand). Cytogenetic location: 5q23.2.
Variant type: single nucleotide variant.
Coding change: c.1590+262T>A on transcript NM_001256545.2 (MANE Select); 262 bases into the intron after coding-DNA position 1590, T replaced by A.
Molecular consequence: intron variant.
Genome position (GRCh38, 1-based): chr5:127,420,469, T>A. VCF-style: chr5-127420469-T-A. GRCh37 (hg19) VCF-style: chr5-126756161-T-A.
Other names: c.1590+262T>A (NM_032446.3, NM_001308119.2, NM_001308121.2).
Identifiers: ClinVar variation 673964 (VCV000673964.1), dbSNP rs74823398, ClinGen allele CA126949677.